The following is an entry in ClinVar:

ClinVar aggregate classification (germline): Uncertain significance (1 of 4 stars; one submission).

Conditions:
Nephronophthisis. Also called: Juvenile Nephronophthisis. Identifiers: Orphanet 655, MedGen C0687120, MONDO:0019005, HP:0000090.

gnomAD v4.1: 2 of 1,613,968 alleles (0.00012%); highest among the groups gnomAD compares: East Asian, 0.0045%; no homozygotes.

Submission:

Labcorp Genetics (formerly Invitae), Labcorp
Classification: Uncertain significance for Nephronophthisis. Last evaluated: 2021-12-09. Review status: criteria provided, single submitter. Criteria: Invitae Variant Classification Sherloc (09022015). Collection method: clinical testing. Allele origin: germline.
Comment: This sequence change replaces methionine, which is neutral and non-polar, with valine, which is neutral and non-polar, at codon 721 of the NPHP3 protein (p.Met721Val). This variant is present in population databases (no rsID available, gnomAD 0.006%). This variant has not been reported in the literature in individuals affected with NPHP3-related conditions. Algorithms developed to predict the effect of missense changes on protein structure and function output the following: SIFT: "Tolerated"; PolyPhen-2: "Benign"; Align-GVGD: "Class C0". The valine amino acid residue is found in multiple mammalian species, which suggests that this missense change does not adversely affect protein function. Algorithms developed to predict the effect of sequence changes on RNA splicing suggest that this variant may create or strengthen a splice site. In summary, the available evidence is currently insufficient to determine the role of this variant in disease. Therefore, it has been classified as a Variant of Uncertain Significance.

NM_153240.5(NPHP3):c.2161A>G (p.Met721Val)

Genes: NPHP3 (nephrocystin 3; minus strand), NPHP3-ACAD11 (NPHP3-ACAD11 readthrough (NMD candidate); minus strand). Cytogenetic location: 3q22.1.
Variant type: single nucleotide variant.
Coding change: c.2161A>G on transcript NM_153240.5 (MANE Select); coding-DNA position 2161, A replaced by G.
Protein change: p.Met721Val; replaces methionine 721 with valine.
Molecular consequence: missense variant. On other transcripts: non-coding transcript variant (1).
Genome position (GRCh38, 1-based): chr3:132,696,741, T>C on the plus strand (A>G on the coding strand, the complement: NPHP3 is on the minus strand). VCF-style: chr3-132696741-T-C. GRCh37 (hg19) VCF-style: chr3-132415585-T-C.
Other names: short protein forms M721V.
Identifiers: ClinVar variation 2151024 (VCV002151024.4), dbSNP rs1399552358, ClinGen allele CA354581949.